The following is an entry in ClinVar:

ClinVar aggregate classification (germline): Uncertain significance (1 of 4 stars; one submission).

Allele frequency attached by ClinVar (database versions not stated): gnomAD 0.00001; ExAC 0.00002.
gnomAD v4.1: 9 of 1,613,736 alleles (0.00056%); highest among the groups gnomAD compares: Non-Finnish European, 0.00076%; no homozygotes.

Submission:

Labcorp Genetics (formerly Invitae), Labcorp
Classification: Uncertain significance. Last evaluated: 2023-12-21. Review status: criteria provided, single submitter. Criteria: Invitae Variant Classification Sherloc (09022015). Collection method: clinical testing. Allele origin: germline.
Comment: This sequence change replaces proline, which is neutral and non-polar, with alanine, which is neutral and non-polar, at codon 31 of the APOA1 protein (p.Pro31Ala). This variant is present in population databases (rs764283540, gnomAD 0.002%). This variant has not been reported in the literature in individuals affected with APOA1-related conditions. Advanced modeling of protein sequence and biophysical properties (such as structural, functional, and spatial information, amino acid conservation, physicochemical variation, residue mobility, and thermodynamic stability) performed at Invitae indicates that this missense variant is not expected to disrupt APOA1 protein function with a negative predictive value of 80%. In summary, the available evidence is currently insufficient to determine the role of this variant in disease. Therefore, it has been classified as a Variant of Uncertain Significance.

NM_000039.3(APOA1):c.91C>G (p.Pro31Ala)

Genes: APOA1 (apolipoprotein A1; minus strand), APOA1-AS (APOA1 antisense RNA; plus strand). Cytogenetic location: 11q23.3.
Variant type: single nucleotide variant.
Coding change: c.91C>G on transcript NM_000039.3 (MANE Select); coding-DNA position 91, C replaced by G.
Protein change: p.Pro31Ala; replaces proline 31 with alanine.
Molecular consequence: missense variant.
Genome position (GRCh38, 1-based): chr11:116,837,110, G>C on the plus strand (C>G on the coding strand, the complement: APOA1 is on the minus strand). VCF-style: chr11-116837110-G-C. GRCh37 (hg19) VCF-style: chr11-116707826-G-C.
Other names: c.91C>G, p.Pro31Ala (NM_001318017.2, NM_001318018.2, NM_001425090.1 and 1 more transcripts); c.-237C>G (NM_001318021.2, NM_001425092.1); short protein forms P31A.
Identifiers: ClinVar variation 2985998 (VCV002985998.3), dbSNP rs764283540, ClinGen allele CA6289897.